The following is an entry in ClinVar:

NM_003327.4(TNFRSF4):c.230G>A (p.Ser77Asn)

Gene: TNFRSF4 (TNF receptor superfamily member 4; minus strand). Cytogenetic location: 1p36.33.
Variant type: single nucleotide variant.
Coding change: c.230G>A on transcript NM_003327.4 (MANE Select); coding-DNA position 230, G replaced by A.
Protein change: p.Ser77Asn; replaces serine 77 with asparagine.
Molecular consequence: missense variant.
Genome position (GRCh38, 1-based): chr1:1,213,701, C>T on the plus strand (G>A on the coding strand, the complement: TNFRSF4 is on the minus strand). VCF-style: chr1-1213701-C-T. GRCh37 (hg19) VCF-style: chr1-1149081-C-T.
Other names: c.230G>A, p.Ser77Asn (NM_001410709.1); short protein forms S77N.
Identifiers: ClinVar variation 1922384 (VCV001922384.5), dbSNP rs748063759, ClinGen allele CA512615.

ClinVar aggregate classification (germline): Uncertain significance (1 of 4 stars; one submission).

Conditions:
Combined immunodeficiency due to OX40 deficiency. Also called: OX40 DEFICIENCY; Immunodeficiency 16. Identifiers: Orphanet 431149, MedGen C3810053, MONDO:0014268, OMIM 615593.

Allele frequency attached by ClinVar (database versions not stated): gnomAD 0.00001; ExAC 0.00010.
gnomAD v4.1: 19 of 1,597,316 alleles (0.0012%); highest among the groups gnomAD compares: South Asian, 0.02%; no homozygotes.

Submission:

Labcorp Genetics (formerly Invitae), Labcorp
Classification: Uncertain significance for Combined immunodeficiency due to OX40 deficiency. Last evaluated: 2022-03-14. Review status: criteria provided, single submitter. Criteria: Invitae Variant Classification Sherloc (09022015). Collection method: clinical testing. Allele origin: germline.
Comment: This sequence change replaces serine, which is neutral and polar, with asparagine, which is neutral and polar, at codon 77 of the TNFRSF4 protein (p.Ser77Asn). This variant is present in population databases (rs748063759, gnomAD 0.04%). This variant has not been reported in the literature in individuals affected with TNFRSF4-related conditions. Algorithms developed to predict the effect of missense changes on protein structure and function output the following: SIFT: "Tolerated"; PolyPhen-2: "Benign"; Align-GVGD: "Class C0". The asparagine amino acid residue is found in multiple mammalian species, which suggests that this missense change does not adversely affect protein function. In summary, the available evidence is currently insufficient to determine the role of this variant in disease. Therefore, it has been classified as a Variant of Uncertain Significance.